The following is an entry in ClinVar:

ClinVar aggregate classification (germline): Uncertain significance (1 of 4 stars; one submission).

Conditions:
Recessive dystrophic epidermolysis bullosa (RDEB). Also called: DYSTROPHIC EPIDERMOLYSIS BULLOSA, AUTOSOMAL RECESSIVE; EPIDERMOLYSIS BULLOSA DYSTROPHICA, HALLOPEAU-SIEMENS TYPE; Hallopeau-Siemens Disease; severe generalized recessive dystrophic epidermolysis bullosa; EPIDERMOLYSIS BULLOSA DYSTROPHICA, GENERALIZED SEVERE, AUTOSOMAL RECESSIVE; Epidermolysis Bullosa Distrophica Autosomal Recessive (RDEB). Identifiers: Orphanet 79408, Orphanet 79409, MedGen C0079474, MONDO:0009179, OMIM 226600.

Submission:

3billion
Classification: Uncertain significance for Recessive dystrophic epidermolysis bullosa. Last evaluated: 2024-07-24. Review status: criteria provided, single submitter. Criteria: ACMG Guidelines, 2015. Collection method: clinical testing. Allele origin: germline. Affected: yes.
Comment: The variant is not observed in the gnomAD v4.0.0 dataset. Predicted Consequence/Location: Intron variant In silico tools predict the variant to alter splicing and produce an abnormal transcript [SpliceAI: 0.63 (>=0.2, moderate evidence for spliceogenicity)]. Therefore, this variant is classified as VUS according to the recommendation of ACMG/AMP guideline.

NM_000094.4(COL7A1):c.977-11C>G

Gene: COL7A1 (collagen type VII alpha 1 chain; minus strand). Cytogenetic location: 3p21.31.
Variant type: single nucleotide variant.
Coding change: c.977-11C>G on transcript NM_000094.4 (MANE Select); 11 bases into the intron before coding-DNA position 977, C replaced by G.
Molecular consequence: intron variant.
Genome position (GRCh38, 1-based): chr3:48,592,478, G>C on the plus strand (C>G on the coding strand, the complement: COL7A1 is on the minus strand). VCF-style: chr3-48592478-G-C. GRCh37 (hg19) VCF-style: chr3-48629911-G-C.
Identifiers: ClinVar variation 4072261 (VCV004072261.1).